The following is an entry in ClinVar:

NM_139137.4(KCNC2):c.*1949G>A

Gene: KCNC2 (potassium voltage-gated channel subfamily C member 2; minus strand). Cytogenetic location: 12q21.1.
Variant type: single nucleotide variant.
Coding change: c.*1949G>A on transcript NM_139137.4 (MANE Select); 1949 bases downstream of the stop codon, G replaced by A.
Molecular consequence: 3 prime UTR variant. On other transcripts: missense variant (1), non-coding transcript variant (2).
Genome position (GRCh38, 1-based): chr12:75,041,156, C>T on the plus strand (G>A on the coding strand, the complement: KCNC2 is on the minus strand). VCF-style: chr12-75041156-C-T. GRCh37 (hg19) VCF-style: chr12-75434936-C-T.
Other names: c.*2581G>A (NM_001260497.2, NM_001414197.1, NM_001414198.1); c.1831G>A, p.Glu611Lys (NM_001260498.2); c.*1949G>A (NM_001260499.2, NM_001414192.1, NM_001414193.1 and 1 more transcripts); c.*326G>A (NM_001414195.1); c.*84G>A (NM_001414196.1, NM_139136.4, NM_153748.3); c.*228G>A (NM_001414199.1); c.*2131G>A (NM_001414202.1); c.*2703G>A (NM_001414206.1, NM_001414213.1); short protein forms E611K.
Identifiers: ClinVar variation 4072771 (VCV004072771.1).

ClinVar aggregate classification (germline): Uncertain significance (1 of 4 stars; one submission).

gnomAD v4.1: 2 of 1,596,716 alleles (0.00013%); highest among the groups gnomAD compares: Non-Finnish European, 0.00017%; no homozygotes.

Submission:

GeneDx
Classification: Uncertain significance. Last evaluated: 2025-01-31. Review status: criteria provided, single submitter. Criteria: GeneDx Variant Classification Process June 2021. Collection method: clinical testing. Allele origin: germline. Affected: yes.
Comment: Not observed at significant frequency in large population cohorts (gnomAD); In silico analysis indicates that this missense variant does not alter protein structure/function; Has not been previously published as pathogenic or benign to our knowledge; Reported using an alternate transcript of the gene